The following is an entry in ClinVar:

NM_000268.4(NF2):c.526del (p.Leu176fs)

Gene: NF2 (NF2, moesin-ezrin-radixin like (MERLIN) tumor suppressor; plus strand). Cytogenetic location: 22q12.2.
Variant type: Deletion.
Coding change: c.526del on transcript NM_000268.4 (MANE Select); coding-DNA position 526, one base deleted (C; older notation c.526delC).
Protein change: p.Leu176fs; shifts the reading frame from leucine 176.
Molecular consequence: frameshift variant. On other transcripts: 5 prime UTR variant (1), intron variant (1).
Genome position (GRCh38, 1-based): chr22:29,655,603, C deleted. VCF-style (leftmost placement, unchanged base first): chr22-29655602-TC-T. GRCh37 (hg19) VCF-style: chr22-30051591-TC-T.
Other names: c.403del, p.Leu135fs (NM_001407062.1, NM_181829.3, NM_001407054.1 and 1 more transcripts); c.277del, p.Leu93fs (NM_001407063.1, NM_001407064.1, NM_181830.3 and 1 more transcripts); c.-9del (NM_001407065.1); c.526del, p.Leu176fs (NM_001407066.1, NM_016418.5, NM_181825.3 and 4 more transcripts); c.295del, p.Leu99fs (NM_001407067.1); c.400del, p.Leu134fs (NM_181828.3, NM_001407055.1); c.447+13318del (NM_181833.3); c.412del, p.Leu138fs (NM_001407053.1, NM_001407056.1); short protein forms L134fs, L135fs, L138fs, L176fs, L93fs, L99fs.
Identifiers: ClinVar variation 3897731 (VCV003897731.1).

ClinVar aggregate classification (oncogenicity): Oncogenic (1 of 4 stars; one submission).

Conditions:
Meningioma. Also called: Meningioma, somatic. Identifiers: Orphanet 2495, MedGen C0025286, MONDO:0016642, HP:0002858.

Submission:

Dr. Guy Rouleau's laboratory, McGill University
Classification: Oncogenic for Meningioma. Last evaluated: 2025-03-30. Review status: criteria provided, single submitter. Criteria: ClinGen/CGC/VICC Guidelines for Oncogenicity, 2022. Collection method: research. Allele origin: somatic. Affected: yes.
Comment: This frameshift variant generates a premature translational stop signal (p.Leu176Ter) in the NF2 gene, which is expected to result in an absent or disrupted protein product. Loss-of-function variants in NF2 are well-documented as pathogenic (PMIDs: 8755919, 9643284, 16983642). This somatic variant was identified in a paired tumor-blood sequencing study of meningiomas. This variant has been reported in patient with malignant peritoneal mesothelioma and in another patient with gastrointestinal stromal tumor (PMIDs: 27813512, 38023229). It has not been reported in population databases (gnomAD v2.1.1: no frequency).